The following is an entry in ClinVar:

NM_001033855.3(DCLRE1C):c.319G>A (p.Val107Ile)

Gene: DCLRE1C (DNA cross-link repair 1C; minus strand). Cytogenetic location: 10p13.
Variant type: single nucleotide variant.
Coding change: c.319G>A on transcript NM_001033855.3 (MANE Select); coding-DNA position 319, G replaced by A.
Protein change: p.Val107Ile; replaces valine 107 with isoleucine.
Molecular consequence: missense variant. On other transcripts: 5 prime UTR variant (5), non-coding transcript variant (3), intron variant (4).
Genome position (GRCh38, 1-based): chr10:14,936,581, C>T on the plus strand (G>A on the coding strand, the complement: DCLRE1C is on the minus strand). VCF-style: chr10-14936581-C-T. GRCh37 (hg19) VCF-style: chr10-14978580-C-T.
Other names: NM_001033855.3(DCLRE1C):c.319G>A; p.Val107Ile; c.-42G>A (NM_001033857.3, NM_001033858.3, NM_001289077.2 and 2 more transcripts); c.319G>A, p.Val107Ile (NM_001350965.2); c.18-1017G>A (NM_001350966.2, NM_001289078.2, NM_001289076.2 and 1 more transcripts); short protein forms V107I.
Identifiers: ClinVar variation 1015913 (VCV001015913.6), dbSNP rs772530008, ClinGen allele CA5416902.

ClinVar aggregate classification (germline): Uncertain significance. Review status: reviewed by expert panel (3 of 4 stars). 2 submissions from 2 submitters: Uncertain significance (1). 1 of the submissions does not count toward it. Last evaluated 2024-02-15.

Conditions:
Severe combined immunodeficiency due to DCLRE1C deficiency (RS-SCID). Also called: SCID, AUTOSOMAL RECESSIVE, T CELL-NEGATIVE, B CELL-NEGATIVE, NK CELL-POSITIVE, WITH SENSITIVITY TO IONIZING RADIATION. Identifiers: Orphanet 275, MedGen C1865371, MONDO:0011225, OMIM 602450.

Allele frequency attached by ClinVar (database versions not stated): ExAC 0.00001; gnomAD exomes below 0.00001.
gnomAD v4.1: 2 of 1,612,506 alleles (0.00012%); highest among the groups gnomAD compares: Non-Finnish European, 0.00017%; no homozygotes.

Submissions (2):

ClinGen Severe Combined Immunodeficiency Variant Curation Expert Panel, ClinGen
Classification: Uncertain significance for Severe combined immunodeficiency due to DCLRE1C deficiency. Last evaluated: 2024-02-15. Review status: reviewed by expert panel. Criteria: ClinGen SCID ACMG Specifications DCLRE1C V1.0.0. Collection method: curation. Allele origin: germline. Inheritance: Autosomal recessive inheritance.
Comment: The c.319G>A (NM_001033855.3) variant in DCLRE1C is a missense variant predicted to cause the substitution of Valine by Isoleucine at amino acid 107 (p.Val107Ile). The highest population minor allele frequency in gnomAD v4 is 0.0000009500 (2/349990 alleles) in the European (non-Finnish) population, which is lower than the ClinGen SCID VCEP threshold (<0.00003266) for PM2_Supporting, meeting this criterion (PM2_Supporting). No homozygotes have been observed in gnomAD. To our knowledge, this variant has not been reported in the literature in individuals affected with DCLRE1C-related conditions or in functional studies. In summary, this variant meets the criteria to be classified as a variant of uncertain significance for autosomal recessive severe combined immunodeficiency due to DCLRE1C deficiency based on the ACMG/AMP criteria applied, as specified by the ClinGen SCID VCEP: PM2_Supporting (VCEP specifications version 1).

Labcorp Genetics (formerly Invitae), Labcorp
Classification: Uncertain significance for Athabaskan severe combined immunodeficiency. Last evaluated: 2021-08-27. Review status: criteria provided, single submitter. Criteria: Invitae Variant Classification Sherloc (09022015). Collection method: clinical testing. Allele origin: germline. Not counted in ClinVar's aggregate classification.
Comment: This sequence change replaces valine with isoleucine at codon 107 of the DCLRE1C protein (p.Val107Ile). The valine residue is moderately conserved and there is a small physicochemical difference between valine and isoleucine. This variant is present in population databases (rs772530008, ExAC 0.002%). This variant has not been reported in the literature in individuals affected with DCLRE1C-related conditions. Algorithms developed to predict the effect of missense changes on protein structure and function are either unavailable or do not agree on the potential impact of this missense change (SIFT: "Tolerated"; PolyPhen-2: "Possibly Damaging"; Align-GVGD: "Class C0"). In summary, the available evidence is currently insufficient to determine the role of this variant in disease. Therefore, it has been classified as a Variant of Uncertain Significance.